The following is an entry in ClinVar:

NM_001018113.3(FANCB):c.350A>C (p.Lys117Thr)

Gene: FANCB (FA complementation group B; minus strand). Cytogenetic location: Xp22.2.
Variant type: single nucleotide variant.
Coding change: c.350A>C on transcript NM_001018113.3 (MANE Select); coding-DNA position 350, A replaced by C.
Protein change: p.Lys117Thr; replaces lysine 117 with threonine.
Molecular consequence: missense variant.
Genome position (GRCh38, 1-based): chrX:14,865,161, T>G on the plus strand (A>C on the coding strand, the complement: FANCB is on the minus strand). VCF-style: chrX-14865161-T-G. GRCh37 (hg19) VCF-style: chrX-14883283-T-G.
Other names: c.350A>C, p.Lys117Thr (NM_001324162.2, NM_152633.4); short protein forms K117T.
Identifiers: ClinVar variation 368034 (VCV000368034.11), dbSNP rs1057515811, ClinGen allele CA10653818.

ClinVar aggregate classification (germline): Uncertain significance (1 of 4 stars; one submission).

Conditions:
Fanconi anemia (FA). Also called: Fanconi's anemia. Identifiers: Orphanet 84, MedGen C0015625, MeSH D005199, MONDO:0019391.

Allele frequency attached by ClinVar (database versions not stated): gnomAD 0.00001; gnomAD exomes 0.00001.
gnomAD v4.1: 10 of 1,184,733 alleles (0.00084%); highest among the groups gnomAD compares: East Asian, 0.027%; no homozygotes.

Submission:

Labcorp Genetics (formerly Invitae), Labcorp
Classification: Uncertain significance for Fanconi anemia. Last evaluated: 2021-08-31. Review status: criteria provided, single submitter. Criteria: Invitae Variant Classification Sherloc (09022015). Collection method: clinical testing. Allele origin: germline.
Comment: This sequence change replaces lysine with threonine at codon 117 of the FANCB protein (p.Lys117Thr). The lysine residue is weakly conserved and there is a moderate physicochemical difference between lysine and threonine. This variant is not present in population databases (ExAC no frequency). This variant has not been reported in the literature in individuals affected with FANCB-related conditions. ClinVar contains an entry for this variant (Variation ID: 368034). Algorithms developed to predict the effect of missense changes on protein structure and function output the following: SIFT: "Tolerated"; PolyPhen-2: "Benign"; Align-GVGD: "Class C0". The threonine amino acid residue is found in multiple mammalian species, which suggests that this missense change does not adversely affect protein function. In summary, the available evidence is currently insufficient to determine the role of this variant in disease. Therefore, it has been classified as a Variant of Uncertain Significance.